The following is an entry in ClinVar:

ClinVar aggregate classification (germline): Benign/Likely benign. Review status: criteria provided, multiple submitters, no conflicts (2 of 4 stars). 4 submissions from 4 submitters: Benign (1); Likely benign (3). Last evaluated 2025-05-08.

Conditions:
Hereditary cancer-predisposing syndrome. Also called: Neoplastic Syndromes, Hereditary; Hereditary Cancer Syndrome; Hereditary neoplastic syndrome; Tumor predisposition. Identifiers: Orphanet 140162, MedGen C0027672, MeSH D009386, MONDO:0015356.
Hereditary diffuse gastric adenocarcinoma (HDGC). Also called: DIFFUSE GASTRIC AND LOBULAR BREAST CANCER SYNDROME. Identifiers: Orphanet 26106, MedGen C1708349, MONDO:0007648, OMIM 137215.

Allele frequency attached by ClinVar (database versions not stated): gnomAD exomes below 0.00001; gnomAD 0.00001.
gnomAD v4.1: 2 of 1,613,842 alleles (0.00012%); highest among the groups gnomAD compares: African/African-American, 0.0013%; no homozygotes.

Submissions (4):

Women's Health and Genetics/Laboratory Corporation of America, LabCorp
Classification: Likely benign. Last evaluated: 2025-05-08. Review status: criteria provided, single submitter. Criteria: LabCorp Variant Classification Summary - May 2015. Collection method: clinical testing. Allele origin: germline.

Myriad Genetics, Inc.
Classification: Benign for Hereditary diffuse gastric adenocarcinoma. Last evaluated: 2024-09-23. Review status: criteria provided, single submitter. Criteria: Myriad Autosomal Dominant, Autosomal Recessive and X-Linked Classification Criteria (2023). Collection method: clinical testing. Allele origin: unknown.
Comment: This variant is considered benign. This variant is a silent/synonymous amino acid change and it is not expected to impact splicing.

Labcorp Genetics (formerly Invitae), Labcorp
Classification: Likely benign for Hereditary diffuse gastric adenocarcinoma. Last evaluated: 2023-08-24. Review status: criteria provided, single submitter. Criteria: Invitae Variant Classification Sherloc (09022015). Collection method: clinical testing. Allele origin: germline.

Ambry Genetics
Classification: Likely benign for Hereditary cancer-predisposing syndrome. Last evaluated: 2020-01-24. Review status: criteria provided, single submitter. Criteria: Ambry Variant Classification Scheme 2023. Collection method: clinical testing. Allele origin: germline.

NM_004360.5(CDH1):c.2382C>A (p.Val794=)

Gene: CDH1 (cadherin 1; plus strand). Cytogenetic location: 16q22.1.
Variant type: single nucleotide variant.
Coding change: c.2382C>A on transcript NM_004360.5 (MANE Select); coding-DNA position 2382, C replaced by A.
Protein change: p.Val794=; no amino-acid change (valine 794 retained).
Molecular consequence: synonymous variant.
Genome position (GRCh38, 1-based): chr16:68,829,740, C>A. VCF-style: chr16-68829740-C-A. GRCh37 (hg19) VCF-style: chr16-68863643-C-A.
Other names: c.2199C>A, p.Val733= (NM_001317184.2); c.834C>A, p.Val278= (NM_001317185.2); c.417C>A, p.Val139= (NM_001317186.2).
Identifiers: ClinVar variation 1114993 (VCV001114993.14), dbSNP rs786203579, ClinGen allele CA496157468.